The following is an entry in ClinVar:

ClinVar aggregate classification (germline): Uncertain significance (1 of 4 stars; one submission).

Allele frequency attached by ClinVar (database versions not stated): TOPMed 0.00001; gnomAD exomes 0.00002 and 0.00003; ExAC 0.00006.
gnomAD v4.1: 35 of 1,613,686 alleles (0.0022%); highest among the groups gnomAD compares: East Asian, 0.025%; no homozygotes.

Submission:

Labcorp Genetics (formerly Invitae), Labcorp
Classification: Uncertain significance. Last evaluated: 2022-05-22. Review status: criteria provided, single submitter. Criteria: Invitae Variant Classification Sherloc (09022015). Collection method: clinical testing. Allele origin: germline.
Comment: This sequence change affects codon 638 of the MME mRNA. It is a 'silent' change, meaning that it does not change the encoded amino acid sequence of the MME protein. It affects a nucleotide within the consensus splice site. This variant is present in population databases (rs199578318, gnomAD 0.007%). This variant has been observed in individual(s) with clinical features of axonal neuropathy (PMID: 33144514). Algorithms developed to predict the effect of sequence changes on RNA splicing suggest that this variant is not likely to affect RNA splicing. In summary, the available evidence is currently insufficient to determine the role of this variant in disease. Therefore, it has been classified as a Variant of Uncertain Significance.

Literature cited by the submitters: PubMed 33144514.

NM_007289.4(MME):c.1914C>T (p.His638=)

Gene: MME (membrane metalloendopeptidase; plus strand). Cytogenetic location: 3q25.2.
Variant type: single nucleotide variant.
Coding change: c.1914C>T on transcript NM_007289.4 (MANE Select); coding-DNA position 1914, C replaced by T.
Protein change: p.His638=; no amino-acid change (histidine 638 retained).
Molecular consequence: synonymous variant.
Genome position (GRCh38, 1-based): chr3:155,168,625, C>T. VCF-style: chr3-155168625-C-T. GRCh37 (hg19) VCF-style: chr3-154886414-C-T.
Other names: c.1914C>T, p.His638= (NM_000902.5, NM_001354642.2, NM_001354643.1 and 2 more transcripts).
Identifiers: ClinVar variation 1503425 (VCV001503425.5), dbSNP rs199578318, ClinGen allele CA2675659.